The following is an entry in ClinVar:

NM_004181.5(UCHL1):c.275C>T (p.Thr92Ile)

Gene: UCHL1 (ubiquitin C-terminal hydrolase L1; plus strand). Cytogenetic location: 4p13.
Variant type: single nucleotide variant.
Coding change: c.275C>T on transcript NM_004181.5 (MANE Select); coding-DNA position 275, C replaced by T.
Protein change: p.Thr92Ile; replaces threonine 92 with isoleucine.
Molecular consequence: missense variant.
Genome position (GRCh38, 1-based): chr4:41,260,747, C>T. VCF-style: chr4-41260747-C-T. GRCh37 (hg19) VCF-style: chr4-41262764-C-T.
Other names: short protein forms T92I.
Identifiers: ClinVar variation 2003923 (VCV002003923.4), dbSNP rs2551922522, ClinGen allele CA356732437.

ClinVar aggregate classification (germline): Uncertain significance (1 of 4 stars; one submission).

Allele frequency attached by ClinVar (database versions not stated): gnomAD exomes below 0.00001.
gnomAD v4.1: 2 of 1,614,188 alleles (0.00012%); highest among the groups gnomAD compares: Non-Finnish European, 0.00017%; no homozygotes.

Submission:

Labcorp Genetics (formerly Invitae), Labcorp
Classification: Uncertain significance. Last evaluated: 2024-10-15. Review status: criteria provided, single submitter. Criteria: Invitae Variant Classification Sherloc (09022015). Collection method: clinical testing. Allele origin: germline.
Comment: This sequence change replaces threonine, which is neutral and polar, with isoleucine, which is neutral and non-polar, at codon 92 of the UCHL1 protein (p.Thr92Ile). This variant is not present in population databases (gnomAD no frequency). This variant has not been reported in the literature in individuals affected with UCHL1-related conditions. ClinVar contains an entry for this variant (Variation ID: 2003923). An algorithm developed to predict the effect of missense changes on protein structure and function (PolyPhen-2) suggests that this variant is likely to be disruptive. In summary, the available evidence is currently insufficient to determine the role of this variant in disease. Therefore, it has been classified as a Variant of Uncertain Significance.